The following is an entry in ClinVar:

ClinVar aggregate classification (germline): Pathogenic/Likely pathogenic. Review status: criteria provided, multiple submitters, no conflicts (2 of 4 stars). 3 submissions from 3 submitters: Pathogenic (2); Likely pathogenic (1). Last evaluated 2023-01-03.

Conditions:
Retinitis pigmentosa 1 (RP1). Identifiers: Orphanet 791, MedGen C0220701, MONDO:0008377, OMIM 180100.
RP1-related disorder. Also called: RP1-related condition.

Allele frequency attached by ClinVar (database versions not stated): gnomAD exomes 0.00001 and 0.00002; TOPMed 0.00001; ExAC 0.00002.
gnomAD v4.1: 9 of 1,614,082 alleles (0.00056%); highest among the groups gnomAD compares: South Asian, 0.0077%; no homozygotes.

Submissions (3):

Blueprint Genetics
Classification: Pathogenic for RP1-related disorders. Last evaluated: 2023-01-03. Review status: criteria provided, single submitter. Criteria: ACMG Guidelines, 2015. Collection method: clinical testing. Allele origin: germline. Affected: yes. Observed: 1 variant allele.

Labcorp Genetics (formerly Invitae), Labcorp
Classification: Pathogenic. Last evaluated: 2022-06-29. Review status: criteria provided, single submitter. Criteria: Invitae Variant Classification Sherloc (09022015). Collection method: clinical testing. Allele origin: germline.
Comment: ClinVar contains an entry for this variant (Variation ID: 1065648). This sequence change creates a premature translational stop signal (p.Arg376*) in the RP1 gene. While this is not anticipated to result in nonsense mediated decay, it is expected to disrupt the last 1781 amino acid(s) of the RP1 protein. This variant is present in population databases (rs760689800, gnomAD 0.01%). This premature translational stop signal has been observed in individuals with autosomal recessive retinitis pigmentos (PMID: 28418496, 32565670, 32587456). It has also been observed to segregate with disease in related individuals. This variant disrupts the C-terminus of the RP1 protein. Many variants that disrupt this region have been reported in individuals with either autosomal dominant or autosomal recessive retinitis pigmentosa (PMID: 11527933, 19933189, 29425069, 30027431, 33681214). Therefore, variants that disrupt this region are expected to be disease-causing. For these reasons, this variant has been classified as Pathogenic.

Ocular Genomics Institute, Massachusetts Eye and Ear
Classification: Likely pathogenic for Retinitis pigmentosa 1. Last evaluated: 2021-04-08. Review status: criteria provided, single submitter. Criteria: ACMG Guidelines, 2015. Collection method: research. Allele origin: germline. Affected: yes.
Comment: Through a review of available evidence we were able to apply the following criteria: PVS1, PM2. Based on this evidence we have classified this variant as Likely Pathogenic.

Literature cited by the submitters: PubMed 28418496 (cited by Labcorp Genetics (formerly Invitae), Labcorp); PubMed 32565670 (cited by Labcorp Genetics (formerly Invitae), Labcorp); PubMed 32587456 (cited by Labcorp Genetics (formerly Invitae), Labcorp); PubMed 11527933 (cited by Labcorp Genetics (formerly Invitae), Labcorp); PubMed 19933189 (cited by Labcorp Genetics (formerly Invitae), Labcorp); PubMed 29425069 (cited by Labcorp Genetics (formerly Invitae), Labcorp); PubMed 30027431 (cited by Labcorp Genetics (formerly Invitae), Labcorp); PubMed 33681214 (cited by Labcorp Genetics (formerly Invitae), Labcorp).

NM_006269.2(RP1):c.1126C>T (p.Arg376Ter)

Gene: RP1 (RP1 axonemal microtubule associated; plus strand). Cytogenetic location: 8q12.1.
Variant type: single nucleotide variant.
Coding change: c.1126C>T on transcript NM_006269.2 (MANE Select); coding-DNA position 1126, C replaced by T.
Protein change: p.Arg376Ter; replaces arginine 376 with a stop codon.
Molecular consequence: nonsense. On other transcripts: intron variant (1).
Genome position (GRCh38, 1-based): chr8:54,625,008, C>T. VCF-style: chr8-54625008-C-T. GRCh37 (hg19) VCF-style: chr8-55537568-C-T.
Other names: c.787+2720C>T (NM_001375654.1); short protein forms R376*.
Identifiers: ClinVar variation 1065648 (VCV001065648.8), dbSNP rs760689800, ClinGen allele CA4751325.
Genomic context (GRCh38, chr8:54,625,008, plus strand): 5'-ACTGGTCCTTCTAATAATGATGAAAAGAGTGAGATGAGTTTTCCAGGAAGAACAGAAAGT[C>T]GATCATCTGGTTTAAAGCTTGCAGCATGTTCATTCTCTGCAGATGTGTCACCTATGGAGC-3'